The following is an entry in ClinVar:

NM_182972.3(IRF2BP2):c.1487C>A (p.Ser496Tyr)

Gene: IRF2BP2 (interferon regulatory factor 2 binding protein 2; minus strand). Cytogenetic location: 1q42.3.
Variant type: single nucleotide variant.
Coding change: c.1487C>A on transcript NM_182972.3 (MANE Select); coding-DNA position 1487, C replaced by A.
Protein change: p.Ser496Tyr; replaces serine 496 with tyrosine.
Molecular consequence: missense variant.
Genome position (GRCh38, 1-based): chr1:234,607,414, G>T on the plus strand (C>A on the coding strand, the complement: IRF2BP2 is on the minus strand). VCF-style: chr1-234607414-G-T. GRCh37 (hg19) VCF-style: chr1-234743160-G-T.
Other names: c.1439C>A, p.Ser480Tyr (NM_001077397.1); short protein forms S480Y, S496Y.
Identifiers: ClinVar variation 3727367 (VCV003727367.2).
Genomic context (GRCh38, chr1:234,607,414, plus strand): 5'-GTGTCCTCCAGCCGCTCGTGGCAGAGGGTGCAGCACAGCGGGGCACTGGTTGCCAGAGAG[G>T]AGTCCGGGAGGCTGGCAGGGTGCACTGGCTCCAGTCCTCCTGTGTTGCCTGCTCCCTGGC-3'
Protein context (NP_892017.2, residues 486-506): EPVHPASLPD[Ser496Tyr]SLATSAPLCC

ClinVar aggregate classification (germline): Uncertain significance (1 of 4 stars; one submission).

Submission:

Labcorp Genetics (formerly Invitae), Labcorp
Classification: Uncertain significance. Last evaluated: 2024-12-15. Review status: criteria provided, single submitter. Criteria: Invitae Variant Classification Sherloc (09022015). Collection method: clinical testing. Allele origin: germline.
Comment: This sequence change replaces serine, which is neutral and polar, with tyrosine, which is neutral and polar, at codon 496 of the IRF2BP2 protein (p.Ser496Tyr). This variant is not present in population databases (gnomAD no frequency). This variant has not been reported in the literature in individuals affected with IRF2BP2-related conditions. An algorithm developed to predict the effect of missense changes on protein structure and function (PolyPhen-2) suggests that this variant is likely to be disruptive. In summary, the available evidence is currently insufficient to determine the role of this variant in disease. Therefore, it has been classified as a Variant of Uncertain Significance.